The following is an entry in ClinVar:

NM_001035.3(RYR2):c.9060A>G (p.Ser3020=)

Gene: RYR2 (ryanodine receptor 2; plus strand). Cytogenetic location: 1q43.
Variant type: single nucleotide variant.
Coding change: c.9060A>G on transcript NM_001035.3 (MANE Select); coding-DNA position 9060, A replaced by G.
Protein change: p.Ser3020=; no amino-acid change (serine 3020 retained).
Molecular consequence: synonymous variant.
Genome position (GRCh38, 1-based): chr1:237,687,497, A>G. VCF-style: chr1-237687497-A-G. GRCh37 (hg19) VCF-style: chr1-237850797-A-G.
Other names: c.9060A>G (NM_001035.2).
Identifiers: ClinVar variation 3073809 (VCV003073809.4), dbSNP rs2547284184, ClinGen allele CA423822169.

ClinVar aggregate classification (germline): Likely benign. Review status: criteria provided, multiple submitters, no conflicts (2 of 4 stars). 3 submissions from 3 submitters: Likely benign (3). Last evaluated 2025-02-22.

Conditions:
Catecholaminergic polymorphic ventricular tachycardia (CVPT). Also called: Catecholamine-induced polymorphic ventricular tachycardia. Identifiers: Orphanet 3286, MedGen C5574922, MONDO:0017990.
Catecholaminergic polymorphic ventricular tachycardia 1. Also called: VENTRICULAR TACHYCARDIA, CATECHOLAMINERGIC POLYMORPHIC, 1, WITH OR WITHOUT ATRIAL DYSFUNCTION AND/OR DILATED CARDIOMYOPATHY; RYR2-Related Catecholaminergic Polymorphic Ventricular Tachycardia; VENTRICULAR TACHYCARDIA, STRESS-INDUCED POLYMORPHIC 1. Identifiers: Orphanet 3286, MedGen C1631597, MONDO:0011484, OMIM 604772.
Cardiovascular phenotype. Identifiers: MedGen CN230736.

Submissions (3):

Ambry Genetics
Classification: Likely benign for Cardiovascular phenotype. Last evaluated: 2025-02-22. Review status: criteria provided, single submitter. Criteria: Ambry Variant Classification Scheme 2023. Collection method: clinical testing. Allele origin: germline.

Labcorp Genetics (formerly Invitae), Labcorp
Classification: Likely benign for Catecholaminergic polymorphic ventricular tachycardia 1. Last evaluated: 2025-02-03. Review status: criteria provided, single submitter. Criteria: Invitae Variant Classification Sherloc (09022015). Collection method: clinical testing. Allele origin: germline.

All of Us Research Program, National Institutes of Health
Classification: Likely benign for Catecholaminergic polymorphic ventricular tachycardia. Last evaluated: 2023-10-06. Review status: criteria provided, single submitter. Criteria: ACMG Guidelines, 2015. Collection method: clinical testing. Allele origin: germline. Inheritance: Autosomal dominant inheritance. Observed: 1 variant allele, 1 heterozygote.
Comment: This study involves interpretation of variants in research participants for the purpose of population health screening. Participant phenotype was not available at the time of variant classification. Additional details can be found in publication PMID: 35346344, PMCID: PMC8962531